The following is an entry in ClinVar:

ClinVar aggregate classification (germline): Uncertain significance (1 of 4 stars; one submission).

Allele frequency attached by ClinVar (database versions not stated): ExAC 0.00002; gnomAD exomes 0.00002; 1000 Genomes Project 30x 0.00031.
gnomAD v4.1: 40 of 1,614,190 alleles (0.0025%); highest among the groups gnomAD compares: African/African-American, 0.011%; no homozygotes.

Submission:

Labcorp Genetics (formerly Invitae), Labcorp
Classification: Uncertain significance. Last evaluated: 2024-01-02. Review status: criteria provided, single submitter. Criteria: Invitae Variant Classification Sherloc (09022015). Collection method: clinical testing. Allele origin: germline.
Comment: This sequence change replaces alanine, which is neutral and non-polar, with valine, which is neutral and non-polar, at codon 254 of the TUBB1 protein (p.Ala254Val). The frequency data for this variant in the population databases is considered unreliable, as metrics indicate poor data quality at this position in the gnomAD database. This variant has not been reported in the literature in individuals affected with TUBB1-related conditions. ClinVar contains an entry for this variant (Variation ID: 2116217). Advanced modeling of protein sequence and biophysical properties (such as structural, functional, and spatial information, amino acid conservation, physicochemical variation, residue mobility, and thermodynamic stability) performed at Invitae indicates that this missense variant is expected to disrupt TUBB1 protein function with a positive predictive value of 80%. In summary, the available evidence is currently insufficient to determine the role of this variant in disease. Therefore, it has been classified as a Variant of Uncertain Significance.

NM_030773.4(TUBB1):c.761C>T (p.Ala254Val)

Gene: TUBB1 (tubulin beta 1 class VI; plus strand). Cytogenetic location: 20q13.32.
Variant type: single nucleotide variant.
Coding change: c.761C>T on transcript NM_030773.4 (MANE Select); coding-DNA position 761, C replaced by T.
Protein change: p.Ala254Val; replaces alanine 254 with valine.
Molecular consequence: missense variant.
Genome position (GRCh38, 1-based): chr20:59,024,188, C>T. VCF-style: chr20-59024188-C-T. GRCh37 (hg19) VCF-style: chr20-57599243-C-T.
Other names: short protein forms A254V.
Identifiers: ClinVar variation 2116217 (VCV002116217.4), dbSNP rs771118227, ClinGen allele CA9928578.